The following is an entry in ClinVar:

NM_001198800.3(ASCC1):c.747-4C>G

Gene: ASCC1 (activating signal cointegrator 1 complex subunit 1; minus strand). Cytogenetic location: 10q22.1.
Variant type: single nucleotide variant.
Coding change: c.747-4C>G on transcript NM_001198800.3 (MANE Select); 4 bases into the intron before coding-DNA position 747, C replaced by G.
Molecular consequence: intron variant.
Genome position (GRCh38, 1-based): chr10:72,133,185, G>C on the plus strand (C>G on the coding strand, the complement: ASCC1 is on the minus strand). VCF-style: chr10-72133185-G-C. GRCh37 (hg19) VCF-style: chr10-73892943-G-C.
Other names: p.?; c.693-4C>G (NM_001369099.1); c.813-4C>G (NM_001369086.1, NM_001369085.1); c.627-4C>G (NM_001369112.1, NM_001369108.1, NM_001369103.1 and 3 more transcripts); c.747-4C>G (NM_001369110.1, NM_001369096.1, NM_001369090.1 and 12 more transcripts); c.831-4C>G (NM_001198799.3); c.630-4C>G (NM_001369105.1, NM_001369102.1, NM_001369106.1 and 2 more transcripts).
Identifiers: ClinVar variation 787078 (VCV000787078.36), dbSNP rs141996717, ClinGen allele CA5548929.
Genomic context (GRCh38, chr10:72,133,185, plus strand): 5'-ACTATTAGTCCAGATGCCTGAAAACGTTCCAGCACTCGATCAACTAATTCTTGTAGCCTG[G>C]AGAAATTGGAGAAAAGTAATGCAGAAATCTTAGTAAACTTCTGAACATGCGATTACCAAT-3'

ClinVar aggregate classification (germline): Benign/Likely benign. Review status: criteria provided, multiple submitters, no conflicts (2 of 4 stars). 5 submissions from 5 submitters: Benign (4); Likely benign (1). Last evaluated 2026-08-01.

Allele frequency attached by ClinVar (database versions not stated): 1000 Genomes Project 30x 0.00250; 1000 Genomes Project 0.00300; gnomAD 0.00401 and 0.00402; ESP Exome Variant Server 0.00408; gnomAD exomes 0.00413 and 0.00417; TOPMed 0.00413; ExAC 0.00422.
gnomAD v4.1: 6,679 of 1,613,954 alleles (0.41%); highest among the groups gnomAD compares: Middle Eastern, 1.1%; 25 homozygotes.

Submissions (5):

CeGaT Center for Human Genetics Tuebingen
Classification: Likely benign. Last evaluated: 2026-08-01. Review status: criteria provided, single submitter. Criteria: CeGaT Center For Human Genetics Tuebingen Variant Classification Criteria Version 2. Collection method: clinical testing. Allele origin: germline. Affected: yes. Observed: 3 variant alleles.
Comment: ASCC1: BP4, BS2

Labcorp Genetics (formerly Invitae), Labcorp
Classification: Benign. Last evaluated: 2026-01-25. Review status: criteria provided, single submitter. Criteria: Invitae Variant Classification Sherloc (09022015). Collection method: clinical testing. Allele origin: germline.

Mayo Clinic Laboratories, Mayo Clinic
Classification: Benign. Last evaluated: 2025-05-16. Review status: criteria provided, single submitter. Criteria: ACMG Guidelines, 2015. Collection method: clinical testing. Allele origin: germline. Observed: 3 variant alleles.
Comment: BS1, BP4, BP7

Blueprint Genetics
Classification: Benign. Last evaluated: 2024-11-23. Review status: criteria provided, single submitter. Criteria: ACMG Guidelines, 2015. Collection method: clinical testing. Allele origin: germline.

Breakthrough Genomics
Classification: Benign. Review status: criteria provided, single submitter. Criteria: ACMG Guidelines, 2015. Collection method: not provided. Allele origin: germline. Inheritance: Autosomal recessive inheritance. Affected: yes.